The following is an entry in ClinVar:

NM_001042492.3(NF1):c.5488C>G (p.Arg1830Gly)

Gene: NF1 (neurofibromin 1; plus strand). Cytogenetic location: 17q11.2.
Variant type: single nucleotide variant.
Coding change: c.5488C>G on transcript NM_001042492.3 (MANE Select); coding-DNA position 5488, C replaced by G.
Protein change: p.Arg1830Gly; replaces arginine 1830 with glycine.
Molecular consequence: missense variant.
Genome position (GRCh38, 1-based): chr17:31,327,718, C>G. VCF-style: chr17-31327718-C-G. GRCh37 (hg19) VCF-style: chr17-29654736-C-G.
Other names: c.5425C>G, p.Arg1809Gly (NM_000267.4); short protein forms R1809G, R1830G.
Identifiers: ClinVar variation 208857 (VCV000208857.20), dbSNP rs797045139, ClinGen allele CA276060.

ClinVar aggregate classification (germline): Pathogenic/Likely pathogenic. Review status: criteria provided, multiple submitters, no conflicts (2 of 4 stars). 8 submissions from 8 submitters: Pathogenic (2); Likely pathogenic (4). 2 of the submissions do not count toward it. Last evaluated 2026-01-07.

Conditions:
Cardiovascular phenotype. Identifiers: MedGen CN230736.
Hereditary cancer-predisposing syndrome. Also called: Neoplastic Syndromes, Hereditary; Hereditary Cancer Syndrome; Tumor predisposition; Hereditary neoplastic syndrome. Identifiers: Orphanet 140162, MedGen C0027672, MeSH D009386, MONDO:0015356.
Neurofibromatosis, type 1 (NF1). Also called: VON RECKLINGHAUSEN DISEASE; Neurofibromatosis, type I; NEUROFIBROMATOSIS, TYPE I, SOMATIC; Peripheral type neurofibromatosis. Identifiers: Orphanet 636, MedGen C0027831, MONDO:0018975, OMIM 162200. Disease mechanism: loss of function.

Submissions (8):

Labcorp Genetics (formerly Invitae), Labcorp
Classification: Pathogenic for Neurofibromatosis, type 1. Last evaluated: 2026-01-07. Review status: criteria provided, single submitter. Criteria: Invitae Variant Classification Sherloc (09022015). Collection method: clinical testing. Allele origin: germline.
Comment: This sequence change replaces arginine, which is basic and polar, with glycine, which is neutral and non-polar, at codon 1809 of the NF1 protein (p.Arg1809Gly). This variant is not present in population databases (gnomAD no frequency). This missense change has been observed in individual(s) with neurofibromatosis type 1 (PMID: 24451118, 26178382). It has also been observed to segregate with disease in related individuals. ClinVar contains an entry for this variant (Variation ID: 208857). Invitae Evidence Modeling of protein sequence and biophysical properties (such as structural, functional, and spatial information, amino acid conservation, physicochemical variation, residue mobility, and thermodynamic stability) indicates that this missense variant is expected to disrupt NF1 protein function with a positive predictive value of 95%. This variant disrupts the p.Arg1809 amino acid residue in NF1. Other variant(s) that disrupt this residue have been determined to be pathogenic (PMID: 12807981, 19120036, 24357598, 24789688, 26178382). This suggests that this residue is clinically significant, and that variants that disrupt this residue are likely to be disease-causing. For these reasons, this variant has been classified as Pathogenic.

Ambry Genetics
Classification: Pathogenic for Cardiovascular phenotype; Hereditary cancer-predisposing syndrome. Last evaluated: 2025-11-25. Review status: criteria provided, single submitter. Criteria: Ambry Variant Classification Scheme 2023. Collection method: clinical testing. Allele origin: germline.
Comment: The p.R1809G variant (also known as c.5425C>G), located in coding exon 37 of the NF1 gene, results from a C to G substitution at nucleotide position 5425. This variant was reported in individual(s) with features consistent with Neurofibromatosis type 1 and segregated with disease in at least one family (Duat Rodr&iacute;guez A et al. An Pediatr (Barc), 2015 Sep;83:173-82; Rojnueangnit K et al. Hum Mutat, 2015 Nov;36:1052-63). Other variant(s) at the same codon, p.R1809L (c.5426G>T), p.R1809C (c.5425C>T), have been identified in individual(s) with features consistent with Neurofibromatosis type 1 (Castle B et al. J. Med. Genet., 2003 Oct;40:e109; Griffiths S et al. Fam Cancer, 2007;6:21-34; Nystr&ouml;m AM et al. Acta Paediatr. 2009; 98:693-8; Rojnueangnit K et al. Hum Mutat, 2015 Nov;36:1052-63; Santoro C et al. Eur. J. Hum. Genet., 2015 Nov;23:1460-1; Ambry internal data). The arginine at codon 1809 is replaced by glycine, an amino acid with dissimilar properties. This amino acid position is highly conserved in available vertebrate species. In addition, this alteration is predicted to be deleterious by in silico analysis. Based on the majority of available evidence to date, this variant is likely to be pathogenic.

Quest Diagnostics Nichols Institute San Juan Capistrano
Classification: Likely pathogenic. Last evaluated: 2025-07-15. Review status: criteria provided, single submitter. Criteria: Quest Diagnostics criteria. Collection method: clinical testing. Allele origin: unknown.
Comment: The NF1 c.5425C>G (p.Arg1809Gly) variant has been reported in the published literature in individuals with neurofibromatosis type 1 (PMIDs: 26178382 (2015), 25541118 (2015)). Multiple missense variants at this codon, including at least one considered to be pathogenic or likely pathogenic, have been reported in individuals with clinical features associated with this gene, suggesting this variant may also cause disease (PMIDs: 19292874 (2009), 24357598 (2014), 25370043 (2015), 25966637 (2015), 26178382 (2015), 26706011 (2015), 31370276 (2019), 31595648 (2020)). Assessment of experimental analysis yielded inconclusive results regarding the impact of this variant on protein function (PMIDs: 26178382 (2015), 35353986 (2022)). This variant has not been reported in large, multi-ethnic general populations (Genome Aggregation Database). Analysis of this variant using bioinformatics tools for the prediction of the effect of amino acid changes on protein structure and function yielded predictions that this variant is damaging. Based on the available information, this variant is classified as likely pathogenic.

GeneDx
Classification: Likely pathogenic. Last evaluated: 2023-02-02. Review status: criteria provided, single submitter. Criteria: GeneDx Variant Classification Process June 2021. Collection method: clinical testing. Allele origin: germline. Affected: yes.
Comment: Not observed at significant frequency in large population cohorts (gnomAD); In silico analysis supports that this missense variant has a deleterious effect on protein structure/function; Individuals with p.Arg1809 missense variants largely have not been reported to have cutaneous or plexiform neurofibromas or optic gliomas, and some individuals are reported to have clinical features of Noonan syndrome (Rojnueangnit et al., 2015; Pinna et al., 2015; Santoro et al., 2015; Friedman, 2019); This variant is associated with the following publications: (PMID: 31979111, 23656349, 25541118, 26178382)

Genome-Nilou Lab
Classification: Likely pathogenic for Neurofibromatosis, type 1. Last evaluated: 2022-03-15. Review status: criteria provided, single submitter. Criteria: ACMG Guidelines, 2015. Collection method: clinical testing. Allele origin: germline. Affected: no.

ARUP Laboratories, Molecular Genetics and Genomics, ARUP Laboratories
Classification: Likely pathogenic. Last evaluated: 2017-10-27. Review status: criteria provided, single submitter. Criteria: ARUP Molecular Germline Variant Investigation Process. Collection method: clinical testing. Allele origin: germline.

GeneReviews
No classification provided. Condition: Neurofibromatosis, type 1. Review status: no classification provided. Collection method: literature only. Allele origin: germline. Not counted in ClinVar's aggregate classification.

UAB Medical Genomics Laboratory, UAB Medicine
Classification: Pathogenic for Neurofibromatosis, type 1. Review status: no assertion criteria provided. Collection method: clinical testing. Allele origin: germline. Affected: yes. Observed: 4 variant alleles. Not counted in ClinVar's aggregate classification.

Literature cited by the submitters: PubMed 24451118 (cited by Labcorp Genetics (formerly Invitae), Labcorp); PubMed 26178382 (cited by 3 submitters); PubMed 12807981 (cited by Labcorp Genetics (formerly Invitae), Labcorp); PubMed 19120036 (cited by Labcorp Genetics (formerly Invitae), Labcorp); PubMed 24357598 (cited by Labcorp Genetics (formerly Invitae), Labcorp); PubMed 24789688 (cited by Labcorp Genetics (formerly Invitae), Labcorp); PubMed 25541118 (cited by Ambry Genetics); NCBI Bookshelf NBK1109 (cited by GeneReviews).